The following is an entry in ClinVar:

ClinVar aggregate classification (germline): Uncertain significance (1 of 4 stars; one submission).

Allele frequency attached by ClinVar (database versions not stated): gnomAD 0.00001; gnomAD exomes 0.00001; TOPMed 0.00001; ExAC 0.00002.
gnomAD v4.1: 16 of 1,613,994 alleles (0.00099%); highest among the groups gnomAD compares: Middle Eastern, 0.082%; 1 homozygote.

Submission:

Labcorp Genetics (formerly Invitae), Labcorp
Classification: Uncertain significance. Last evaluated: 2023-03-21. Review status: criteria provided, single submitter. Criteria: Invitae Variant Classification Sherloc (09022015). Collection method: clinical testing. Allele origin: germline.
Comment: In summary, the available evidence is currently insufficient to determine the role of this variant in disease. Therefore, it has been classified as a Variant of Uncertain Significance. Advanced modeling of protein sequence and biophysical properties (such as structural, functional, and spatial information, amino acid conservation, physicochemical variation, residue mobility, and thermodynamic stability) performed at Invitae indicates that this missense variant is not expected to disrupt UNC45A protein function. ClinVar contains an entry for this variant (Variation ID: 1954798). This variant has not been reported in the literature in individuals affected with UNC45A-related conditions. This variant is present in population databases (rs768369843, gnomAD 0.006%). This sequence change replaces valine, which is neutral and non-polar, with aspartic acid, which is acidic and polar, at codon 920 of the UNC45A protein (p.Val920Asp).

NM_018671.5(UNC45A):c.2759T>A (p.Val920Asp)

Genes: RCCD1-AS1 (RCCD1 and UNC45A antisense RNA 1; minus strand), UNC45A (unc-45 myosin chaperone A; plus strand). Cytogenetic location: 15q26.1.
Variant type: single nucleotide variant.
Coding change: c.2759T>A on transcript NM_018671.5 (MANE Select); coding-DNA position 2759, T replaced by A.
Protein change: p.Val920Asp; replaces valine 920 with aspartic acid.
Molecular consequence: missense variant.
Genome position (GRCh38, 1-based): chr15:90,953,640, T>A. VCF-style: chr15-90953640-T-A. GRCh37 (hg19) VCF-style: chr15-91496870-T-A.
Other names: c.2714T>A, p.Val905Asp (NM_001039675.2, NM_001323621.2); c.2759T>A, p.Val920Asp (NM_001323619.1); c.2324T>A, p.Val775Asp (NM_001323620.2); short protein forms V905D, V920D, V775D.
Identifiers: ClinVar variation 1954798 (VCV001954798.3), dbSNP rs768369843, ClinGen allele CA7743383.